The following is an entry in ClinVar:

ClinVar aggregate classification (germline): Uncertain significance (1 of 4 stars; one submission).

Allele frequency attached by ClinVar (database versions not stated): ExAC 0.00001; gnomAD 0.00001; TOPMed 0.00001; gnomAD exomes 0.00001.
gnomAD v4.1: 21 of 1,613,984 alleles (0.0013%); highest among the groups gnomAD compares: Non-Finnish European, 0.0017%; no homozygotes.

Submission:

Labcorp Genetics (formerly Invitae), Labcorp
Classification: Uncertain significance. Last evaluated: 2025-03-17. Review status: criteria provided, single submitter. Criteria: Invitae Variant Classification Sherloc (09022015). Collection method: clinical testing. Allele origin: germline.
Comment: This sequence change replaces threonine, which is neutral and polar, with isoleucine, which is neutral and non-polar, at codon 469 of the ASXL1 protein (p.Thr469Ile). This variant is present in population databases (rs774600044, gnomAD 0.0009%). This variant has not been reported in the literature in individuals affected with ASXL1-related conditions. ClinVar contains an entry for this variant (Variation ID: 2796620). An algorithm developed to predict the effect of missense changes on protein structure and function outputs the following: PolyPhen-2: "Benign". The isoleucine amino acid residue is found in multiple mammalian species, which suggests that this missense change does not adversely affect protein function. In summary, the available evidence is currently insufficient to determine the role of this variant in disease. Therefore, it has been classified as a Variant of Uncertain Significance.

NM_015338.6(ASXL1):c.1406C>T (p.Thr469Ile)

Gene: ASXL1 (ASXL transcriptional regulator 1; plus strand). Cytogenetic location: 20q11.21.
Variant type: single nucleotide variant.
Coding change: c.1406C>T on transcript NM_015338.6 (MANE Select); coding-DNA position 1406, C replaced by T.
Protein change: p.Thr469Ile; replaces threonine 469 with isoleucine.
Molecular consequence: missense variant.
Genome position (GRCh38, 1-based): chr20:32,433,604, C>T. VCF-style: chr20-32433604-C-T. GRCh37 (hg19) VCF-style: chr20-31021407-C-T.
Other names: c.1223C>T, p.Thr408Ile (NM_001363734.1); short protein forms T408I, T469I.
Identifiers: ClinVar variation 2796620 (VCV002796620.3), dbSNP rs774600044, ClinGen allele CA9808347.